The following is an entry in ClinVar:

NM_006384.4(CIB1):c.547T>C (p.Phe183Leu)

Gene: CIB1 (calcium and integrin binding 1; minus strand). Cytogenetic location: 15q26.1.
Variant type: single nucleotide variant.
Coding change: c.547T>C on transcript NM_006384.4 (MANE Select); coding-DNA position 547, T replaced by C.
Protein change: p.Phe183Leu; replaces phenylalanine 183 with leucine.
Molecular consequence: missense variant. On other transcripts: non-coding transcript variant (2).
Genome position (GRCh38, 1-based): chr15:90,230,941, A>G on the plus strand (T>C on the coding strand, the complement: CIB1 is on the minus strand). VCF-style: chr15-90230941-A-G. GRCh37 (hg19) VCF-style: chr15-90774173-A-G.
Other names: c.667T>C, p.Phe223Leu (NM_001277764.2); short protein forms F183L, F223L.
Identifiers: ClinVar variation 1358142 (VCV001358142.8), dbSNP rs1292530632, ClinGen allele CA393813458.

ClinVar aggregate classification (germline): Uncertain significance (1 of 4 stars; one submission).

Allele frequency attached by ClinVar (database versions not stated): gnomAD exomes below 0.00001.
gnomAD v4.1: 3 of 1,613,976 alleles (0.00019%); highest among the groups gnomAD compares: Non-Finnish European, 0.00025%; no homozygotes.

Submission:

Labcorp Genetics (formerly Invitae), Labcorp
Classification: Uncertain significance. Last evaluated: 2021-04-23. Review status: criteria provided, single submitter. Criteria: Invitae Variant Classification Sherloc (09022015). Collection method: clinical testing. Allele origin: germline.
Comment: This sequence change replaces phenylalanine with leucine at codon 223 of the CIB1 protein (p.Phe223Leu). The phenylalanine residue is highly conserved and there is a small physicochemical difference between phenylalanine and leucine. This variant is not present in population databases (ExAC no frequency). This variant has not been reported in the literature in individuals with CIB1-related conditions. Algorithms developed to predict the effect of missense changes on protein structure and function are either unavailable or do not agree on the potential impact of this missense change (SIFT: "Deleterious"; PolyPhen-2: "Not Available"; Align-GVGD: "Class C15"). In summary, the available evidence is currently insufficient to determine the role of this variant in disease. Therefore, it has been classified as a Variant of Uncertain Significance.